The following is an entry in ClinVar:

NM_000836.4(GRIN2D):c.209G>C (p.Gly70Ala)

Gene: GRIN2D (glutamate ionotropic receptor NMDA type subunit 2D; plus strand). Cytogenetic location: 19q13.33.
Variant type: single nucleotide variant.
Coding change: c.209G>C on transcript NM_000836.4 (MANE Select); coding-DNA position 209, G replaced by C.
Protein change: p.Gly70Ala; replaces glycine 70 with alanine.
Molecular consequence: missense variant.
Genome position (GRCh38, 1-based): chr19:48,398,601, G>C. VCF-style: chr19-48398601-G-C. GRCh37 (hg19) VCF-style: chr19-48901858-G-C.
Other names: short protein forms G70A.
Identifiers: ClinVar variation 2385202 (VCV002385202.6), dbSNP rs1970671133, ClinGen allele CA406688519.

ClinVar aggregate classification (germline): Uncertain significance. Review status: criteria provided, multiple submitters, no conflicts (2 of 4 stars). 3 submissions from 3 submitters: Uncertain significance (3). Last evaluated 2024-11-11.

Conditions:
Inborn genetic diseases. Identifiers: MedGen C0950123, MeSH D030342.

gnomAD v4.1: 4 of 1,235,662 alleles (0.00032%); highest among the groups gnomAD compares: African/African-American, 0.0063%; no homozygotes.

Submissions (3):

Women's Health and Genetics/Laboratory Corporation of America, LabCorp
Classification: Uncertain significance. Last evaluated: 2024-11-11. Review status: criteria provided, single submitter. Criteria: LabCorp Variant Classification Summary - May 2015. Collection method: clinical testing. Allele origin: germline.
Comment: Variant summary: GRIN2D c.209G>C (p.Gly70Ala) results in a non-conservative amino acid change located in the Periplasmic binding protein-like I domain (IPR028082) of the encoded protein sequence. Four of five in-silico tools predict a benign effect of the variant on protein function. The frequency data for this variant in gnomAD is considered unreliable, as metrics indicate poor data quality at this position. To our knowledge, no occurrence of c.209G>C in individuals affected with Epileptic Encephalopathy, Early Infantile, 46 and no experimental evidence demonstrating its impact on protein function have been reported. ClinVar contains an entry for this variant (Variation ID: 2385202). Based on the evidence outlined above, the variant was classified as uncertain significance.

Labcorp Genetics (formerly Invitae), Labcorp
Classification: Uncertain significance. Last evaluated: 2024-08-24. Review status: criteria provided, single submitter. Criteria: Invitae Variant Classification Sherloc (09022015). Collection method: clinical testing. Allele origin: germline.
Comment: This sequence change replaces glycine, which is neutral and non-polar, with alanine, which is neutral and non-polar, at codon 70 of the GRIN2D protein (p.Gly70Ala). The frequency data for this variant in the population databases is considered unreliable, as metrics indicate insufficient coverage at this position in the gnomAD database. This variant has not been reported in the literature in individuals affected with GRIN2D-related conditions. ClinVar contains an entry for this variant (Variation ID: 2385202). Invitae Evidence Modeling of protein sequence and biophysical properties (such as structural, functional, and spatial information, amino acid conservation, physicochemical variation, residue mobility, and thermodynamic stability) indicates that this missense variant is not expected to disrupt GRIN2D protein function with a negative predictive value of 95%. In summary, the available evidence is currently insufficient to determine the role of this variant in disease. Therefore, it has been classified as a Variant of Uncertain Significance.

Ambry Genetics
Classification: Uncertain significance for Inborn genetic diseases. Last evaluated: 2021-09-27. Review status: criteria provided, single submitter. Criteria: Ambry Variant Classification Scheme 2023. Collection method: clinical testing. Allele origin: germline.